The following is an entry in ClinVar:

NM_006907.4(PYCR1):c.399C>T (p.Thr133=)

Gene: PYCR1 (pyrroline-5-carboxylate reductase 1; minus strand). Cytogenetic location: 17q25.3.
Variant type: single nucleotide variant.
Coding change: c.399C>T on transcript NM_006907.4 (MANE Select); coding-DNA position 399, C replaced by T.
Protein change: p.Thr133=; no amino-acid change (threonine 133 retained).
Molecular consequence: synonymous variant.
Genome position (GRCh38, 1-based): chr17:81,935,067, G>A on the plus strand (C>T on the coding strand, the complement: PYCR1 is on the minus strand). VCF-style: chr17-81935067-G-A. GRCh37 (hg19) VCF-style: chr17-79892943-G-A.
Other names: c.399C>T, p.Thr133= (NM_001282279.2, NM_001282280.2, NM_001330523.2 and 1 more transcripts); c.480C>T, p.Thr160= (NM_001282281.2).
Identifiers: ClinVar variation 325908 (VCV000325908.24), dbSNP rs148883988, ClinGen allele CA8845453.

ClinVar aggregate classification (germline): Conflicting classifications of pathogenicity. Review status: criteria provided, conflicting classifications (1 of 4 stars). 5 submissions from 5 submitters: Uncertain significance (1); Likely benign (4). Last evaluated 2025-12-16.

Conditions:
Cutis laxa. Identifiers: Orphanet 209, MedGen C0010495, MONDO:0016175, HP:0000973.

Allele frequency attached by ClinVar (database versions not stated): gnomAD exomes 0.00006 and 0.00013; ESP Exome Variant Server 0.00015; ExAC 0.00016; TOPMed 0.00030; gnomAD 0.00031 and 0.00032; 1000 Genomes Project 30x 0.00078; 1000 Genomes Project 0.00080.
gnomAD v4.1: 134 of 1,610,616 alleles (0.0083%); highest among the groups gnomAD compares: African/African-American, 0.083%; no homozygotes.

Submissions (5):

Labcorp Genetics (formerly Invitae), Labcorp
Classification: Likely benign. Last evaluated: 2025-12-16. Review status: criteria provided, single submitter. Criteria: Invitae Variant Classification Sherloc (09022015). Collection method: clinical testing. Allele origin: germline.

CeGaT Center for Human Genetics Tuebingen
Classification: Likely benign. Last evaluated: 2025-08-01. Review status: criteria provided, single submitter. Criteria: CeGaT Center For Human Genetics Tuebingen Variant Classification Criteria Version 2. Collection method: clinical testing. Allele origin: germline. Affected: yes. Observed: 1 variant allele.
Comment: PYCR1: BP4, BP7

Blueprint Genetics
Classification: Likely benign. Last evaluated: 2024-09-03. Review status: criteria provided, single submitter. Criteria: ACMG Guidelines, 2015. Collection method: clinical testing. Allele origin: germline.

GeneDx
Classification: Likely benign. Last evaluated: 2019-10-21. Review status: criteria provided, single submitter. Criteria: GeneDx Variant Classification Process June 2021. Collection method: clinical testing. Allele origin: germline. Affected: yes.

Illumina Laboratory Services, Illumina
Classification: Uncertain significance for Cutis laxa. Last evaluated: 2018-01-13. Review status: criteria provided, single submitter. Criteria: ICSL Variant Classification Criteria 13 December 2019. Collection method: clinical testing. Allele origin: germline.